The following is an entry in ClinVar:

NM_006206.6(PDGFRA):c.1486A>C (p.Thr496Pro)

Gene: PDGFRA (platelet derived growth factor receptor alpha; plus strand). Cytogenetic location: 4q12.
Variant type: single nucleotide variant.
Coding change: c.1486A>C on transcript NM_006206.6 (MANE Select); coding-DNA position 1486, A replaced by C.
Protein change: p.Thr496Pro; replaces threonine 496 with proline.
Molecular consequence: missense variant.
Genome position (GRCh38, 1-based): chr4:54,273,658, A>C. VCF-style: chr4-54273658-A-C. GRCh37 (hg19) VCF-style: chr4-55139825-A-C.
Other names: c.1486A>C, p.Thr496Pro (NM_001347827.2, NM_001347829.2); c.1561A>C, p.Thr521Pro (NM_001347828.2); c.1525A>C, p.Thr509Pro (NM_001347830.2); short protein forms T521P, T496P, T509P.
Identifiers: ClinVar variation 819344 (VCV000819344.16), dbSNP rs778784351, ClinGen allele CA2922581.

ClinVar aggregate classification (germline): Uncertain significance. Review status: criteria provided, multiple submitters, no conflicts (2 of 4 stars). 2 submissions from 2 submitters: Uncertain significance (2). Last evaluated 2026-01-12.

Conditions:
Hereditary cancer-predisposing syndrome. Also called: Neoplastic Syndromes, Hereditary; Hereditary Cancer Syndrome; Hereditary neoplastic syndrome; Tumor predisposition. Identifiers: Orphanet 140162, MedGen C0027672, MeSH D009386, MONDO:0015356.
Gastrointestinal stromal tumor. Also called: Gastrointestinal stromal tumor, somatic; Gastrointestinal stroma tumor. Identifiers: Orphanet 44890, MedGen C0238198, MeSH D046152, MONDO:0011719, OMIM 606764, HP:0100723.

Allele frequency attached by ClinVar (database versions not stated): ExAC 0.00001; gnomAD 0.00001; TOPMed 0.00001.
gnomAD v4.1: 2 of 1,613,868 alleles (0.00012%); highest among the groups gnomAD compares: Non-Finnish European, 0.00017%; no homozygotes.

Submissions (2):

Labcorp Genetics (formerly Invitae), Labcorp
Classification: Uncertain significance for Gastrointestinal stromal tumor. Last evaluated: 2026-01-12. Review status: criteria provided, single submitter. Criteria: Invitae Variant Classification Sherloc (09022015). Collection method: clinical testing. Allele origin: germline.
Comment: This sequence change replaces threonine, which is neutral and polar, with proline, which is neutral and non-polar, at codon 496 of the PDGFRA protein (p.Thr496Pro). This variant is present in population databases (rs778784351, gnomAD 0.0009%). This variant has not been reported in the literature in individuals affected with PDGFRA-related conditions. ClinVar contains an entry for this variant (Variation ID: 819344). An algorithm developed to predict the effect of missense changes on protein structure and function (PolyPhen-2) suggests that this variant is likely to be disruptive. In summary, the available evidence is currently insufficient to determine the role of this variant in disease. Therefore, it has been classified as a Variant of Uncertain Significance.

Ambry Genetics
Classification: Uncertain significance for Hereditary cancer-predisposing syndrome. Last evaluated: 2025-05-23. Review status: criteria provided, single submitter. Criteria: Ambry Variant Classification Scheme 2023. Collection method: clinical testing. Allele origin: germline.
Comment: The p.T496P variant (also known as c.1486A>C), located in coding exon 9 of the PDGFRA gene, results from an A to C substitution at nucleotide position 1486. The threonine at codon 496 is replaced by proline, an amino acid with highly similar properties. This amino acid position is highly conserved in available vertebrate species. In addition, the in silico prediction for this alteration is inconclusive. Based on the available evidence, the clinical significance of this variant remains unclear.